The following is an entry in ClinVar:

NM_145166.4(ZBTB47):c.2232_2233insAACTAGCTGCCAACAACTAGCT (p.Ala745delinsAsnTer)

Gene: ZBTB47 (zinc finger and BTB domain containing 47; plus strand). Cytogenetic location: 3p22.1.
Variant type: Insertion.
Coding change: c.2232_2233insAACTAGCTGCCAACAACTAGCT on transcript NM_145166.4 (MANE Select); coding-DNA positions 2232 to 2233, AACTAGCTGCCAACAACTAGCT inserted.
Protein change: p.Ala745delinsAsnTer.
Molecular consequence: nonsense.
Genome position: GRCh38 VCF-style: chr3-42664586-C-CAACTAGCTGCCAACAACTAGCT. GRCh37 (hg19) VCF-style: chr3-42706078-C-CAACTAGCTGCCAACAACTAGCT.
Other names: c.2316_2317insAACTAGCTGCCAACAACTAGCT, p.Ala773delinsAsnTer (NM_001410746.1).
Identifiers: ClinVar variation 2581778 (VCV002581778.1), dbSNP rs1710762272, ClinGen allele CA1360446786.
Genomic context (GRCh38, chr3:42,664,586, plus strand): 5'-CCACCTGCCGCCCCCGCCTCCGCTCTTCCCCACCACTGCCAGCCCCGGCGGGAGGATGAA[C>CAACTAGCTGCCAACAACTAGCT]GCCAACAACTAGCTGCCGAGCTGCACCCGTGCACCCGCTGGGGCCTGGAGTCAGGGCCCA-3'

ClinVar aggregate classification (germline): Uncertain significance (1 of 4 stars; one submission).

Submission:

GeneDx
Classification: Uncertain significance. Last evaluated: 2022-04-28. Review status: criteria provided, single submitter. Criteria: GeneDx Variant Classification Process June 2021. Collection method: clinical testing. Allele origin: germline. Affected: yes.
Comment: Not observed at significant frequency in large population cohorts (gnomAD); Frameshift variant predicted to result in protein truncation in a gene or region of a gene for which loss of function is not a well-established mechanism of disease; Has not been previously published as pathogenic or benign to our knowledge; Variants in candidate genes are classified as variants of uncertain significance in accordance with ACMG guidelines (Richards et al., 2015)